The following is an entry in ClinVar:

NM_001458.5(FLNC):c.3733_3737dup (p.Ala1247fs)

Gene: FLNC (filamin C; plus strand). Cytogenetic location: 7q32.1.
Variant type: Duplication.
Coding change: c.3733_3737dup on transcript NM_001458.5 (MANE Select); coding-DNA positions 3733 to 3737, 5 bases duplicated (CAGCC; older notation c.3733_3737dupCAGCC).
Protein change: p.Ala1247fs; shifts the reading frame from alanine 1247.
Molecular consequence: frameshift variant.
Genome position (GRCh38, 1-based): chr7:128,845,198-128,845,202, CAGCC duplicated. VCF-style (leftmost placement, unchanged base first): chr7-128845197-G-GCAGCC. GRCh37 (hg19) VCF-style: chr7-128485251-G-GCAGCC.
Other names: c.3733_3737dup, p.Ala1247fs (NM_001127487.2); short protein forms A1247fs.
Identifiers: ClinVar variation 1993513 (VCV001993513.4), dbSNP rs2536638595, ClinGen allele CA2580076629.

ClinVar aggregate classification (germline): Pathogenic (1 of 4 stars; one submission).

Conditions:
Myofibrillar myopathy 5. Also called: FILAMINOPATHY, AUTOSOMAL DOMINANT; Filaminopathy (type). Identifiers: Orphanet 171445, MedGen C1836050, MONDO:0012289, OMIM 609524.
Distal myopathy with posterior leg and anterior hand involvement. Also called: WILLIAMS DISTAL MYOPATHY. Identifiers: Orphanet 63273, MedGen C3279722, MONDO:0013550, OMIM 614065.
Hypertrophic cardiomyopathy 26. Also called: Cardiomyopathy, familial hypertrophic, 26. Identifiers: Orphanet 75249, MedGen C4310749, MONDO:0014883, OMIM 617047.

Submission:

Labcorp Genetics (formerly Invitae), Labcorp
Classification: Pathogenic for Distal myopathy with posterior leg and anterior hand involvement; Myofibrillar myopathy 5; Hypertrophic cardiomyopathy 26. Last evaluated: 2022-05-12. Review status: criteria provided, single submitter. Criteria: Invitae Variant Classification Sherloc (09022015). Collection method: clinical testing. Allele origin: germline.
Comment: For these reasons, this variant has been classified as Pathogenic. This variant has not been reported in the literature in individuals affected with FLNC-related conditions. This variant is not present in population databases (gnomAD no frequency). This sequence change creates a premature translational stop signal (p.Ala1247Serfs*25) in the FLNC gene. It is expected to result in an absent or disrupted protein product. Loss-of-function variants in FLNC are known to be pathogenic (PMID: 27908349).

Literature cited by the submitters: PubMed 27908349.